The following is an entry in ClinVar:

ClinVar aggregate classification (germline): Conflicting classifications of pathogenicity. Review status: criteria provided, conflicting classifications (1 of 4 stars). 2 submissions from 2 submitters: Uncertain significance (1); Likely benign (1). Last evaluated 2025-11-26.

Conditions:
Inborn genetic diseases. Identifiers: MedGen C0950123, MeSH D030342.

gnomAD v4.1: 6 of 1,613,996 alleles (0.00037%); highest among the groups gnomAD compares: African/African-American, 0.0013%; no homozygotes.

Submissions (2):

Ambry Genetics
Classification: Likely benign for Inborn genetic diseases. Last evaluated: 2025-11-26. Review status: criteria provided, single submitter. Criteria: Ambry Variant Classification Scheme 2023. Collection method: clinical testing. Allele origin: germline.

Labcorp Genetics (formerly Invitae), Labcorp
Classification: Uncertain significance. Last evaluated: 2025-10-02. Review status: criteria provided, single submitter. Criteria: Invitae Variant Classification Sherloc (09022015). Collection method: clinical testing. Allele origin: germline.
Comment: This sequence change replaces glutamic acid, which is acidic and polar, with lysine, which is basic and polar, at codon 456 of the SLC16A1 protein (p.Glu456Lys). This variant is present in population databases (no rsID available, gnomAD 0.004%). This variant has not been reported in the literature in individuals affected with SLC16A1-related conditions. ClinVar contains an entry for this variant (Variation ID: 3699946). An algorithm developed to predict the effect of missense changes on protein structure and function outputs the following: PolyPhen-2: "Benign". The lysine amino acid residue is found in multiple mammalian species, which suggests that this missense change does not adversely affect protein function. In summary, the available evidence is currently insufficient to determine the role of this variant in disease. Therefore, it has been classified as a Variant of Uncertain Significance.

NM_003051.4(SLC16A1):c.1366G>A (p.Glu456Lys)

Gene: SLC16A1 (solute carrier family 16 member 1; minus strand). Cytogenetic location: 1p13.2.
Variant type: single nucleotide variant.
Coding change: c.1366G>A on transcript NM_003051.4 (MANE Select); coding-DNA position 1366, G replaced by A.
Protein change: p.Glu456Lys; replaces glutamic acid 456 with lysine.
Molecular consequence: missense variant.
Genome position (GRCh38, 1-based): chr1:112,914,028, C>T on the plus strand (G>A on the coding strand, the complement: SLC16A1 is on the minus strand). VCF-style: chr1-112914028-C-T. GRCh37 (hg19) VCF-style: chr1-113456650-C-T.
Other names: c.1366G>A, p.Glu456Lys (NM_001166496.2); c.1366G>A (NM_003051.3); short protein forms E456K.
Identifiers: ClinVar variation 3699946 (VCV003699946.3).